The following is an entry in ClinVar:

NM_004656.4(BAP1):c.784-5G>T

Gene: BAP1 (BRCA1 associated deubiquitinase 1; minus strand). Cytogenetic location: 3p21.1.
Variant type: single nucleotide variant.
Coding change: c.784-5G>T on transcript NM_004656.4 (MANE Select); 5 bases into the intron before coding-DNA position 784, G replaced by T.
Molecular consequence: intron variant.
Genome position (GRCh38, 1-based): chr3:52,405,917, C>A on the plus strand (G>T on the coding strand, the complement: BAP1 is on the minus strand). VCF-style: chr3-52405917-C-A. GRCh37 (hg19) VCF-style: chr3-52439933-C-A.
Other names: c.730-5G>T (NM_001410772.1).
Identifiers: ClinVar variation 4867349 (VCV004867349.1).

ClinVar aggregate classification (germline): Uncertain significance (1 of 4 stars; one submission).

Conditions:
Hereditary cancer-predisposing syndrome. Also called: Neoplastic Syndromes, Hereditary; Tumor predisposition; Hereditary Cancer Syndrome; Hereditary neoplastic syndrome. Identifiers: Orphanet 140162, MedGen C0027672, MeSH D009386, MONDO:0015356.

Submission:

Ambry Genetics
Classification: Uncertain significance for Hereditary cancer-predisposing syndrome. Last evaluated: 2026-04-08. Review status: criteria provided, single submitter. Criteria: Ambry Variant Classification Scheme 2023. Collection method: clinical testing. Allele origin: germline.
Comment: The c.784-5G>T intronic variant results from a G to T substitution 5 nucleotides upstream from coding exon 10 in the BAP1 gene. This alteration was functional in a high throughput genome editing haploid cell survival functional assay (Waters AJ et al. Nat Genet, 2024 Jul;56:1434-1445). This nucleotide position is poorly conserved in available vertebrate species. In silico splice site analysis predicts that this alteration will not have any significant effect on splicing. Based on the available evidence, the clinical significance of this variant remains unclear.

Literature cited by the submitters: PubMed 38969833.